The following is an entry in ClinVar:

NM_001042492.3(NF1):c.4283_4290del (p.Asp1428fs)

Gene: NF1 (neurofibromin 1; plus strand). Cytogenetic location: 17q11.2.
Variant type: Deletion.
Coding change: c.4283_4290del on transcript NM_001042492.3 (MANE Select); coding-DNA positions 4283 to 4290, 8 bases deleted (ATAAAAAG; older notation c.4283_4290delATAAAAAG).
Protein change: p.Asp1428fs; shifts the reading frame from aspartic acid 1428.
Molecular consequence: frameshift variant.
Genome position (GRCh38, 1-based): chr17:31,258,453-31,258,460, ATAAAAAG deleted; deleting any 8 consecutive bases within chr17:31,258,451-31,258,460 gives the same sequence; the c. name uses the placement nearest the transcript's 3' end. VCF-style (leftmost placement, unchanged base first): chr17-31258450-TAGATAAAA-T. GRCh37 (hg19) VCF-style: chr17-29585468-TAGATAAAA-T.
Other names: c.4220_4227delATAAAAAG, p.Asp1407Alafs (NM_000267.4); short protein forms D1428fs, D1407fs.
Identifiers: ClinVar variation 2029155 (VCV002029155.4), dbSNP rs2508409190, ClinGen allele CA2580092921.

ClinVar aggregate classification (germline): Pathogenic (1 of 4 stars; one submission).

Conditions:
Neurofibromatosis, type 1 (NF1). Also called: VON RECKLINGHAUSEN DISEASE; NEUROFIBROMATOSIS, TYPE I, SOMATIC; Neurofibromatosis, type I; Peripheral type neurofibromatosis. Identifiers: Orphanet 636, MedGen C0027831, MONDO:0018975, OMIM 162200. Disease mechanism: loss of function.

Submission:

Labcorp Genetics (formerly Invitae), Labcorp
Classification: Pathogenic for Neurofibromatosis, type 1. Last evaluated: 2022-09-06. Review status: criteria provided, single submitter. Criteria: Invitae Variant Classification Sherloc (09022015). Collection method: clinical testing. Allele origin: germline.
Comment: This sequence change creates a premature translational stop signal (p.Asp1407Alafs*4) in the NF1 gene. It is expected to result in an absent or disrupted protein product. Loss-of-function variants in NF1 are known to be pathogenic (PMID: 10712197, 23913538). This variant is not present in population databases (gnomAD no frequency). This variant has not been reported in the literature in individuals affected with NF1-related conditions. For these reasons, this variant has been classified as Pathogenic.

Literature cited by the submitters: PubMed 10712197; PubMed 23913538.